The following is an entry in ClinVar:

ClinVar aggregate classification (germline): Benign (0 of 4 stars; one submission).

Conditions:
CHGB-related disorder. Also called: CHGB-related condition.

Allele frequency attached by ClinVar (database versions not stated): 1000 Genomes Project 30x 0.00172; 1000 Genomes Project 0.00220; ExAC 0.00443; TOPMed 0.00465; gnomAD 0.00467; ESP Exome Variant Server 0.00630; gnomAD exomes 0.00638.
gnomAD v4.1: 9,963 of 1,610,540 alleles (0.62%); highest among the groups gnomAD compares: Non-Finnish European, 0.75%; 38 homozygotes.

Submission:

PreventionGenetics, part of Exact Sciences
Classification: Benign for CHGB-related condition. Last evaluated: 2019-06-05. Review status: no assertion criteria provided. Collection method: clinical testing. Allele origin: germline.
Comment: This variant is classified as benign based on ACMG/AMP sequence variant interpretation guidelines (Richards et al. 2015 PMID: 25741868, with internal and published modifications).

NM_001819.3(CHGB):c.279G>A (p.Ser93=)

Gene: CHGB (chromogranin B; plus strand). Cytogenetic location: 20p12.3.
Variant type: single nucleotide variant.
Coding change: c.279G>A on transcript NM_001819.3 (MANE Select); coding-DNA position 279, G replaced by A.
Protein change: p.Ser93=; no amino-acid change (serine 93 retained).
Molecular consequence: synonymous variant.
Genome position (GRCh38, 1-based): chr20:5,922,423, G>A. VCF-style: chr20-5922423-G-A. GRCh37 (hg19) VCF-style: chr20-5903069-G-A.
Identifiers: ClinVar variation 3044116 (VCV003044116.2), dbSNP rs138069166, ClinGen allele CA9755478.